The following is an entry in ClinVar:

NM_001080449.3(DNA2):c.2577C>A (p.Asn859Lys)

Gene: DNA2 (DNA replication helicase/nuclease 2; minus strand). Cytogenetic location: 10q21.3.
Variant type: single nucleotide variant.
Coding change: c.2577C>A on transcript NM_001080449.3 (MANE Select); coding-DNA position 2577, C replaced by A.
Protein change: p.Asn859Lys; replaces asparagine 859 with lysine.
Molecular consequence: missense variant. On other transcripts: non-coding transcript variant (1).
Genome position (GRCh38, 1-based): chr10:68,422,345, G>T on the plus strand (C>A on the coding strand, the complement: DNA2 is on the minus strand). VCF-style: chr10-68422345-G-T. GRCh37 (hg19) VCF-style: chr10-70182102-G-T.
Other names: c.2577C>A (NM_001080449.2); short protein forms N859K.
Identifiers: ClinVar variation 3020896 (VCV003020896.4), dbSNP rs753934866, ClinGen allele CA5524783.

ClinVar aggregate classification (germline): Uncertain significance. Review status: criteria provided, multiple submitters, no conflicts (2 of 4 stars). 2 submissions from 2 submitters: Uncertain significance (2). Last evaluated 2024-01-26.

Conditions:
Inborn genetic diseases. Identifiers: MedGen C0950123, MeSH D030342.

Allele frequency attached by ClinVar (database versions not stated): gnomAD exomes below 0.00001; ExAC 0.00001.
gnomAD v4.1: 4 of 1,613,898 alleles (0.00025%); highest among the groups gnomAD compares: Middle Eastern, 0.016%; no homozygotes.

Submissions (2):

Labcorp Genetics (formerly Invitae), Labcorp
Classification: Uncertain significance. Last evaluated: 2024-01-26. Review status: criteria provided, single submitter. Criteria: Invitae Variant Classification Sherloc (09022015). Collection method: clinical testing. Allele origin: germline.
Comment: This sequence change replaces asparagine, which is neutral and polar, with lysine, which is basic and polar, at codon 859 of the DNA2 protein (p.Asn859Lys). This variant is present in population databases (rs753934866, gnomAD 0.006%). This variant has not been reported in the literature in individuals affected with DNA2-related conditions. Advanced modeling of protein sequence and biophysical properties (such as structural, functional, and spatial information, amino acid conservation, physicochemical variation, residue mobility, and thermodynamic stability) performed at Invitae indicates that this missense variant is not expected to disrupt DNA2 protein function with a negative predictive value of 80%. In summary, the available evidence is currently insufficient to determine the role of this variant in disease. Therefore, it has been classified as a Variant of Uncertain Significance.

Ambry Genetics
Classification: Uncertain significance for Inborn genetic diseases. Last evaluated: 2023-09-29. Review status: criteria provided, single submitter. Criteria: Ambry Variant Classification Scheme 2023. Collection method: clinical testing. Allele origin: germline.